The following is an entry in ClinVar:

ClinVar aggregate classification (germline): Uncertain significance. Review status: criteria provided, multiple submitters, no conflicts (2 of 4 stars). 2 submissions from 2 submitters: Uncertain significance (2). Last evaluated 2023-07-25.

Conditions:
Inborn genetic diseases. Identifiers: MedGen C0950123, MeSH D030342.

Allele frequency attached by ClinVar (database versions not stated): gnomAD 0.00001; gnomAD exomes 0.00001; TOPMed 0.00002.
gnomAD v4.1: 16 of 1,448,736 alleles (0.0011%); highest among the groups gnomAD compares: Admixed American, 0.0026%; no homozygotes.

Submissions (2):

Ambry Genetics
Classification: Uncertain significance for Inborn genetic diseases. Last evaluated: 2023-07-25. Review status: criteria provided, single submitter. Criteria: Ambry Variant Classification Scheme 2023. Collection method: clinical testing. Allele origin: germline.

Labcorp Genetics (formerly Invitae), Labcorp
Classification: Uncertain significance. Last evaluated: 2021-12-26. Review status: criteria provided, single submitter. Criteria: Invitae Variant Classification Sherloc (09022015). Collection method: clinical testing. Allele origin: germline.
Comment: In summary, the available evidence is currently insufficient to determine the role of this variant in disease. Therefore, it has been classified as a Variant of Uncertain Significance. This sequence change replaces proline, which is neutral and non-polar, with leucine, which is neutral and non-polar, at codon 53 of the CDT1 protein (p.Pro53Leu). This variant is not present in population databases (gnomAD no frequency). This variant has not been reported in the literature in individuals affected with CDT1-related conditions. Algorithms developed to predict the effect of missense changes on protein structure and function (SIFT, PolyPhen-2, Align-GVGD) all suggest that this variant is likely to be tolerated.

NM_030928.4(CDT1):c.158C>T (p.Pro53Leu)

Gene: CDT1 (chromatin licensing and DNA replication factor 1; plus strand). Cytogenetic location: 16q24.3.
Variant type: single nucleotide variant.
Coding change: c.158C>T on transcript NM_030928.4 (MANE Select); coding-DNA position 158, C replaced by T.
Protein change: p.Pro53Leu; replaces proline 53 with leucine.
Molecular consequence: missense variant.
Genome position (GRCh38, 1-based): chr16:88,803,989, C>T. VCF-style: chr16-88803989-C-T. GRCh37 (hg19) VCF-style: chr16-88870397-C-T.
Other names: c.158C>T (NM_030928.3); short protein forms P53L.
Identifiers: ClinVar variation 1933965 (VCV001933965.6), dbSNP rs1184453539, ClinGen allele CA397070399.
Genomic context (GRCh38, chr16:88,803,989, plus strand): 5'-CCAGGCCCGCACTCCGCGCCCCGGCCTCCGCTACCAGTGGCAGCCGCAAGCGCGCCCGCC[C>T]GCCCGCCGCCCCCGGACGCGACCAGGCCAGGCCACCGGCCCGCAGGAGACTGCGGCTGTC-3'
Protein context (NP_112190.2, residues 43-63): ATSGSRKRAR[Pro53Leu]PAAPGRDQAR